The following is an entry in ClinVar:

ClinVar aggregate classification (germline): Likely benign. Review status: criteria provided, multiple submitters, no conflicts (2 of 4 stars). 2 submissions from 2 submitters: Likely benign (2). Last evaluated 2023-07-01.

Allele frequency attached by ClinVar (database versions not stated): ESP Exome Variant Server 0.00008; gnomAD exomes 0.00008; gnomAD 0.00013; TOPMed 0.00014; ExAC 0.00015; 1000 Genomes Project 0.00020; 1000 Genomes Project 30x 0.00031.
gnomAD v4.1: 138 of 1,583,112 alleles (0.0087%); highest among the groups gnomAD compares: Middle Eastern, 0.1%; 1 homozygote.

Submissions (2):

CeGaT Center for Human Genetics Tuebingen
Classification: Likely benign. Last evaluated: 2023-07-01. Review status: criteria provided, single submitter. Criteria: CeGaT Center For Human Genetics Tuebingen Variant Classification Criteria Version 2. Collection method: clinical testing. Allele origin: germline. Affected: yes. Observed: 1 variant allele.
Comment: ZNF831: BP4, BS2

Ambry Genetics
Classification: Likely benign. Last evaluated: 2022-11-07. Review status: criteria provided, single submitter. Criteria: Ambry Variant Classification Scheme 2023. Collection method: clinical testing. Allele origin: germline.

NM_178457.3(ZNF831):c.2927G>A (p.Arg976Gln)

Gene: ZNF831 (zinc finger protein 831; plus strand). Cytogenetic location: 20q13.32.
Variant type: single nucleotide variant.
Coding change: c.2927G>A on transcript NM_178457.3 (MANE Select); coding-DNA position 2927, G replaced by A.
Protein change: p.Arg976Gln; replaces arginine 976 with glutamine.
Molecular consequence: missense variant.
Genome position (GRCh38, 1-based): chr20:59,193,946, G>A. VCF-style: chr20-59193946-G-A. GRCh37 (hg19) VCF-style: chr20-57769001-G-A.
Other names: c.2927G>A, p.Arg976Gln (NM_001384354.1); short protein forms R976Q.
Identifiers: ClinVar variation 2352273 (VCV002352273.26), dbSNP rs202026682, ClinGen allele CA9929685.